The following is an entry in ClinVar:

ClinVar aggregate classification (germline): Uncertain significance (1 of 4 stars; one submission).

Allele frequency attached by ClinVar (database versions not stated): ExAC 0.00001; gnomAD exomes 0.00001 and 0.00002.
gnomAD v4.1: 16 of 1,614,008 alleles (0.00099%); highest among the groups gnomAD compares: Admixed American, 0.012%; no homozygotes.

Submission:

Labcorp Genetics (formerly Invitae), Labcorp
Classification: Uncertain significance. Last evaluated: 2022-05-29. Review status: criteria provided, single submitter. Criteria: Invitae Variant Classification Sherloc (09022015). Collection method: clinical testing. Allele origin: germline.
Comment: This sequence change replaces valine, which is neutral and non-polar, with isoleucine, which is neutral and non-polar, at codon 152 of the KIAA1549 protein (p.Val152Ile). This variant is present in population databases (rs765692579, gnomAD 0.01%). This variant has not been reported in the literature in individuals affected with KIAA1549-related conditions. ClinVar contains an entry for this variant (Variation ID: 1504909). Algorithms developed to predict the effect of missense changes on protein structure and function output the following: SIFT: "Tolerated"; PolyPhen-2: "Benign"; Align-GVGD: "Class C0". The isoleucine amino acid residue is found in multiple mammalian species, which suggests that this missense change does not adversely affect protein function. In summary, the available evidence is currently insufficient to determine the role of this variant in disease. Therefore, it has been classified as a Variant of Uncertain Significance.

NM_001164665.2(KIAA1549):c.454G>A (p.Val152Ile)

Gene: KIAA1549 (KIAA1549; minus strand). Cytogenetic location: 7q34.
Variant type: single nucleotide variant.
Coding change: c.454G>A on transcript NM_001164665.2 (MANE Select); coding-DNA position 454, G replaced by A.
Protein change: p.Val152Ile; replaces valine 152 with isoleucine.
Molecular consequence: missense variant.
Genome position (GRCh38, 1-based): chr7:138,919,172, C>T on the plus strand (G>A on the coding strand, the complement: KIAA1549 is on the minus strand). VCF-style: chr7-138919172-C-T. GRCh37 (hg19) VCF-style: chr7-138603918-C-T.
Other names: c.454G>A, p.Val152Ile (NM_020910.3); short protein forms V152I.
Identifiers: ClinVar variation 1504909 (VCV001504909.6), dbSNP rs765692579, ClinGen allele CA4506943.